The following is an entry in ClinVar:

ClinVar aggregate classification (germline): Uncertain significance. Review status: criteria provided, multiple submitters, no conflicts (2 of 4 stars). 4 submissions from 4 submitters: Uncertain significance (4). Last evaluated 2025-07-30.

Conditions:
Severe combined immunodeficiency due to IKK2 deficiency. Also called: Immunodeficiency 15; IMMUNODEFICIENCY 15B. Identifiers: Orphanet 397787, MedGen C4747743, MONDO:0014267, OMIM 615592.
Inborn genetic diseases. Identifiers: MedGen C0950123, MeSH D030342.

Allele frequency attached by ClinVar (database versions not stated): gnomAD 0.00001; TOPMed 0.00001.
gnomAD v4.1: 66 of 1,613,660 alleles (0.0041%); highest among the groups gnomAD compares: Non-Finnish European, 0.0048%; no homozygotes.

Submissions (4):

Labcorp Genetics (formerly Invitae), Labcorp
Classification: Uncertain significance for Severe combined immunodeficiency due to IKK2 deficiency. Last evaluated: 2025-07-30. Review status: criteria provided, single submitter. Criteria: Invitae Variant Classification Sherloc (09022015). Collection method: clinical testing. Allele origin: germline.
Comment: This sequence change replaces arginine, which is basic and polar, with glutamine, which is neutral and polar, at codon 77 of the IKBKB protein (p.Arg77Gln). This variant is not present in population databases (gnomAD no frequency). This variant has not been reported in the literature in individuals affected with IKBKB-related conditions. ClinVar contains an entry for this variant (Variation ID: 663077). An algorithm developed to predict the effect of missense changes on protein structure and function (PolyPhen-2) suggests that this variant is likely to be disruptive. In summary, the available evidence is currently insufficient to determine the role of this variant in disease. Therefore, it has been classified as a Variant of Uncertain Significance.

Ambry Genetics
Classification: Uncertain significance for Inborn genetic diseases. Last evaluated: 2024-11-11. Review status: criteria provided, single submitter. Criteria: Ambry Variant Classification Scheme 2023. Collection method: clinical testing. Allele origin: germline.

Genetics and Molecular Pathology, SA Pathology
Classification: Uncertain significance for Severe combined immunodeficiency due to IKK2 deficiency. Last evaluated: 2022-04-06. Review status: criteria provided, single submitter. Criteria: ACMG Guidelines, 2015. Collection method: clinical testing. Allele origin: germline. Affected: yes.

Blueprint Genetics
Classification: Uncertain significance. Last evaluated: 2022-01-07. Review status: criteria provided, single submitter. Criteria: ACMG Guidelines, 2015. Collection method: clinical testing. Allele origin: germline.

NM_001556.3(IKBKB):c.230G>A (p.Arg77Gln)

Gene: IKBKB (inhibitor of nuclear factor kappa B kinase subunit beta; plus strand). Cytogenetic location: 8p11.21.
Variant type: single nucleotide variant.
Coding change: c.230G>A on transcript NM_001556.3 (MANE Select); coding-DNA position 230, G replaced by A.
Protein change: p.Arg77Gln; replaces arginine 77 with glutamine.
Molecular consequence: missense variant. On other transcripts: non-coding transcript variant (3).
Genome position (GRCh38, 1-based): chr8:42,290,185, G>A. VCF-style: chr8-42290185-G-A. GRCh37 (hg19) VCF-style: chr8-42147703-G-A.
Other names: c.38G>A, p.Arg13Gln (NM_001190720.3); c.53G>A, p.Arg18Gln (NM_001242778.2); short protein forms R18Q, R77Q, R13Q.
Identifiers: ClinVar variation 663077 (VCV000663077.10), dbSNP rs200136227, ClinGen allele CA175989806.